The following is an entry in ClinVar:

NM_001127222.2(CACNA1A):c.5653G>A (p.Ala1885Thr)

Gene: CACNA1A (calcium voltage-gated channel subunit alpha1 A; minus strand). Cytogenetic location: 19p13.13.
Variant type: single nucleotide variant.
Coding change: c.5653G>A on transcript NM_001127222.2 (MANE Select); coding-DNA position 5653, G replaced by A.
Protein change: p.Ala1885Thr; replaces alanine 1885 with threonine.
Molecular consequence: missense variant.
Genome position (GRCh38, 1-based): chr19:13,224,745, C>T on the plus strand (G>A on the coding strand, the complement: CACNA1A is on the minus strand). VCF-style: chr19-13224745-C-T. GRCh37 (hg19) VCF-style: chr19-13335559-C-T.
Other names: c.5671G>A, p.Ala1891Thr (NM_000068.4, NM_023035.3); c.5656G>A, p.Ala1886Thr (NM_001127221.2); c.5662G>A, p.Ala1888Thr (NM_001174080.2); short protein forms A1885T, A1886T, A1888T, A1891T.
Identifiers: ClinVar variation 2688698 (VCV002688698.5), dbSNP rs780366617, ClinGen allele CA9239624.

ClinVar aggregate classification (germline): Uncertain significance. Review status: criteria provided, multiple submitters, no conflicts (2 of 4 stars). 2 submissions from 2 submitters: Uncertain significance (2). Last evaluated 2024-02-03.

Conditions:
Episodic ataxia type 2 (EA2). Also called: ACETAZOLAMIDE-RESPONSIVE HEREDITARY PAROXYSMAL CEREBELLAR ATAXIA; ATAXIA, EPISODIC, WITH NYSTAGMUS; ATAXIA, FAMILIAL PAROXYSMAL; CEREBELLAR ATAXIA, PAROXYSMAL, ACETAZOLAMIDE-RESPONSIVE; CEREBELLOPATHY, HEREDITARY PAROXYSMAL; EPISODIC ATAXIA, NYSTAGMUS-ASSOCIATED. Identifiers: Orphanet 97, MedGen C1720416, MONDO:0007163, OMIM 108500.
Developmental and epileptic encephalopathy, 42 (DEE42A). Also called: Epileptic encephalopathy, early infantile, 42; EPILEPTIC ENCEPHALOPATHY, EARLY INFANTILE, 42A; DEVELOPMENTAL AND EPILEPTIC ENCEPHALOPATHY 42A. Identifiers: MedGen C4310716, MONDO:0014917, OMIM 617106.

Allele frequency attached by ClinVar (database versions not stated): ExAC 0.00001; gnomAD 0.00002; TOPMed 0.00003.

Submissions (2):

Labcorp Genetics (formerly Invitae), Labcorp
Classification: Uncertain significance for Developmental and epileptic encephalopathy, 42; Episodic ataxia type 2. Last evaluated: 2024-02-03. Review status: criteria provided, single submitter. Criteria: Invitae Variant Classification Sherloc (09022015). Collection method: clinical testing. Allele origin: germline.
Comment: This sequence change replaces alanine, which is neutral and non-polar, with threonine, which is neutral and polar, at codon 1886 of the CACNA1A protein (p.Ala1886Thr). The frequency data for this variant in the population databases is considered unreliable, as metrics indicate poor data quality at this position in the gnomAD database. This variant has not been reported in the literature in individuals affected with CACNA1A-related conditions. Advanced modeling of protein sequence and biophysical properties (such as structural, functional, and spatial information, amino acid conservation, physicochemical variation, residue mobility, and thermodynamic stability) performed at Invitae indicates that this missense variant is not expected to disrupt CACNA1A protein function with a negative predictive value of 95%. In summary, the available evidence is currently insufficient to determine the role of this variant in disease. Therefore, it has been classified as a Variant of Uncertain Significance.

Revvity Omics, Revvity
Classification: Uncertain significance. Last evaluated: 2023-03-29. Review status: criteria provided, single submitter. Criteria: ACMG Guidelines, 2015. Collection method: clinical testing. Allele origin: germline.